The following is an entry in ClinVar:

NM_016222.4(DDX41):c.107A>G (p.Tyr36Cys)

Gene: DDX41 (DEAD-box helicase 41; minus strand). Cytogenetic location: 5q35.3.
Variant type: single nucleotide variant.
Coding change: c.107A>G on transcript NM_016222.4 (MANE Select); coding-DNA position 107, A replaced by G.
Protein change: p.Tyr36Cys; replaces tyrosine 36 with cysteine.
Molecular consequence: missense variant. On other transcripts: 5 prime UTR variant (2).
Genome position (GRCh38, 1-based): chr5:177,516,756, T>C on the plus strand (A>G on the coding strand, the complement: DDX41 is on the minus strand). VCF-style: chr5-177516756-T-C. GRCh37 (hg19) VCF-style: chr5-176943757-T-C.
Other names: c.-549A>G (NM_001321732.2); c.-341A>G (NM_001321830.2); short protein forms Y36C.
Identifiers: ClinVar variation 1803601 (VCV001803601.7), dbSNP rs768787901, ClinGen allele CA3585377.
Genomic context (GRCh38, chr5:177,516,756, plus strand): 5'-CCATCCCTCCCCGGACGCGTGCCCCTCACCAGTAGCTGCCGGCGCTGCCGTAACGGCACA[T>C]AGGGCACGTAGTCCTCGTCGTCCTCATCTTCCGCCTCGGAGCGGCTTCCTCCGGCAGGCA-3'
Protein context (NP_057306.2, residues 26-46): EDEDDEDYVP[Tyr36Cys]VPLRQRRQLL

ClinVar aggregate classification (germline): Uncertain significance. Review status: criteria provided, multiple submitters, no conflicts (2 of 4 stars). 4 submissions from 4 submitters: Uncertain significance (4). Last evaluated 2024-12-19.

Conditions:
DDX41-related hematologic malignancy predisposition syndrome. Also called: Myeloproliferative/lymphoproliferative neoplasms, familial (multiple types), susceptibility to; DDX41-Associated Familial Myelodysplastic Syndrome and Acute Myeloid Leukemia. Identifiers: Orphanet 488647, MedGen C4225174, MONDO:0014809, OMIM 616871.
Inborn genetic diseases. Identifiers: MedGen C0950123, MeSH D030342.

Allele frequency attached by ClinVar (database versions not stated): gnomAD exomes below 0.00001; ExAC 0.00001; gnomAD 0.00003; TOPMed 0.00002.
gnomAD v4.1: 9 of 1,610,862 alleles (0.00056%); highest among the groups gnomAD compares: African/African-American, 0.0094%; no homozygotes.

Submissions (4):

Ambry Genetics
Classification: Uncertain significance for Inborn genetic diseases. Last evaluated: 2024-12-19. Review status: criteria provided, single submitter. Criteria: Ambry Variant Classification Scheme 2023. Collection method: clinical testing. Allele origin: germline.
Comment: The p.Y36C variant (also known as c.107A>G), located in coding exon 2 of the DDX41 gene, results from an A to G substitution at nucleotide position 107. The tyrosine at codon 36 is replaced by cysteine, an amino acid with highly dissimilar properties. This amino acid position is highly conserved in available vertebrate species. In addition, the in silico prediction for this alteration is inconclusive. Based on the available evidence, the clinical significance of this variant remains unclear.

GeneDx
Classification: Uncertain significance. Last evaluated: 2024-09-26. Review status: criteria provided, single submitter. Criteria: GeneDx Variant Classification Process June 2021. Collection method: clinical testing. Allele origin: germline.
Comment: Not observed at significant frequency in large population cohorts (gnomAD); In silico analysis supports that this missense variant has a deleterious effect on protein structure/function; Has not been previously published as pathogenic or benign to our knowledge

Baylor Genetics
Classification: Uncertain significance for DDX41-related hematologic malignancy predisposition syndrome. Last evaluated: 2024-03-13. Review status: criteria provided, single submitter. Criteria: ACMG Guidelines, 2015. Collection method: clinical testing. Allele origin: unknown.

Labcorp Genetics (formerly Invitae), Labcorp
Classification: Uncertain significance. Last evaluated: 2023-02-14. Review status: criteria provided, single submitter. Criteria: Invitae Variant Classification Sherloc (09022015). Collection method: clinical testing. Allele origin: germline.
Comment: This sequence change replaces tyrosine, which is neutral and polar, with cysteine, which is neutral and slightly polar, at codon 36 of the DDX41 protein (p.Tyr36Cys). The frequency data for this variant in the population databases is considered unreliable, as metrics indicate poor data quality at this position in the gnomAD database. This variant has not been reported in the literature in individuals affected with DDX41-related conditions. ClinVar contains an entry for this variant (Variation ID: 1803601). An algorithm developed to predict the effect of missense changes on protein structure and function (PolyPhen-2) suggests that this variant is likely to be disruptive. In summary, the available evidence is currently insufficient to determine the role of this variant in disease. Therefore, it has been classified as a Variant of Uncertain Significance.